The following is an entry in ClinVar:

NM_001079866.2(BCS1L):c.11C>T (p.Ser4Leu)

Gene: BCS1L (BCS1 ubiquinol-cytochrome c reductase complex chaperone; plus strand). Cytogenetic location: 2q35.
Variant type: single nucleotide variant.
Coding change: c.11C>T on transcript NM_001079866.2 (MANE Select); coding-DNA position 11, C replaced by T.
Protein change: p.Ser4Leu; replaces serine 4 with leucine.
Molecular consequence: missense variant. On other transcripts: 5 prime UTR variant (5), non-coding transcript variant (1), intron variant (3).
Genome position (GRCh38, 1-based): chr2:218,660,998, C>T. VCF-style: chr2-218660998-C-T. GRCh37 (hg19) VCF-style: chr2-219525721-C-T.
Other names: c.11C>T, p.Ser4Leu (NM_001257342.2, NM_001257343.2, NM_001257344.2 and 10 more transcripts); c.-466C>T (NM_001371453.1, NM_001371454.1, NM_001371455.1 and 2 more transcripts); c.-41+250C>T (NM_001371451.1); c.-40-408C>T (NM_001318836.2); c.-41-761C>T (NM_001371452.1); short protein forms S4L.
Identifiers: ClinVar variation 2139345 (VCV002139345.4), dbSNP rs756708311, ClinGen allele CA2109593.

ClinVar aggregate classification (germline): Uncertain significance. Review status: criteria provided, multiple submitters, no conflicts (2 of 4 stars). 3 submissions from 3 submitters: Uncertain significance (3). Last evaluated 2024-10-16.

Conditions:
GRACILE syndrome (FLNMS). Also called: FELLMAN SYNDROME; FINNISH LETHAL NEONATAL METABOLIC SYNDROME. Identifiers: Orphanet 53693, MedGen C1864002, MONDO:0011308, OMIM 603358.
Pili torti-deafness syndrome (BJS). Also called: PILI TORTI AND NERVE DEAFNESS; Bjornstad syndrome. Identifiers: Orphanet 123, MedGen C0266006, MONDO:0009872, OMIM 262000.
Mitochondrial complex III deficiency nuclear type 1. Identifiers: Orphanet 254902, MedGen C3541471, MONDO:0007415, OMIM 124000.

Allele frequency attached by ClinVar (database versions not stated): gnomAD 0.00001; TOPMed 0.00003; gnomAD exomes 0.00005; ExAC 0.00007.

Submissions (3):

Labcorp Genetics (formerly Invitae), Labcorp
Classification: Uncertain significance. Last evaluated: 2024-10-16. Review status: criteria provided, single submitter. Criteria: Invitae Variant Classification Sherloc (09022015). Collection method: clinical testing. Allele origin: germline.
Comment: This sequence change replaces serine, which is neutral and polar, with leucine, which is neutral and non-polar, at codon 4 of the BCS1L protein (p.Ser4Leu). The frequency data for this variant in the population databases is considered unreliable, as metrics indicate poor data quality at this position in the gnomAD database. This variant has not been reported in the literature in individuals affected with BCS1L-related conditions. ClinVar contains an entry for this variant (Variation ID: 2139345). Invitae Evidence Modeling of protein sequence and biophysical properties (such as structural, functional, and spatial information, amino acid conservation, physicochemical variation, residue mobility, and thermodynamic stability) has been performed for this missense variant. However, the output from this modeling did not meet the statistical confidence thresholds required to predict the impact of this variant on BCS1L protein function. In summary, the available evidence is currently insufficient to determine the role of this variant in disease. Therefore, it has been classified as a Variant of Uncertain Significance.

Fulgent Genetics
Classification: Uncertain significance for Mitochondrial complex III deficiency nuclear type 1; Pili torti-deafness syndrome; GRACILE syndrome. Last evaluated: 2024-01-02. Review status: criteria provided, single submitter. Criteria: ACMG Guidelines, 2015. Collection method: clinical testing. Allele origin: germline.

GeneDx
Classification: Uncertain significance. Last evaluated: 2023-10-09. Review status: criteria provided, single submitter. Criteria: GeneDx Variant Classification Process June 2021. Collection method: clinical testing. Allele origin: germline. Affected: yes.
Comment: In silico analysis supports that this missense variant does not alter protein structure/function; Has not been previously published as pathogenic or benign to our knowledge